The following is an entry in ClinVar:

NM_000439.5(PCSK1):c.1059C>T (p.Thr353=)

Genes: CAST (calpastatin; plus strand), PCSK1 (proprotein convertase subtilisin/kexin type 1; minus strand), LOC101929710 (uncharacterized LOC101929710; plus strand). Cytogenetic location: 5q15.
Variant type: single nucleotide variant.
Coding change: c.1059C>T on transcript NM_000439.5 (MANE Select); coding-DNA position 1059, C replaced by T.
Protein change: p.Thr353=; no amino-acid change (threonine 353 retained).
Molecular consequence: synonymous variant. On other transcripts: intron variant (11).
Genome position (GRCh38, 1-based): chr5:96,410,810, G>A on the plus strand (C>T on the coding strand, the complement: PCSK1 is on the minus strand). VCF-style: chr5-96410810-G-A. GRCh37 (hg19) VCF-style: chr5-95746514-G-A.
Other names: c.918C>T, p.Thr306= (NM_001177875.2); c.-175+31158G>A (NM_001423254.1, NM_001423259.1, NM_001423255.1 and 6 more transcripts); c.-103+31158G>A (NM_001423253.1); c.-40+31158G>A (NM_001423258.1).
Identifiers: ClinVar variation 3358334 (VCV003358334.1).

ClinVar aggregate classification (germline): Likely benign (0 of 4 stars; one submission).

Conditions:
PCSK1-related disorder. Also called: PCSK1-related condition.

gnomAD v4.1: 60 of 1,613,966 alleles (0.0037%); highest among the groups gnomAD compares: Non-Finnish European, 0.0048%; no homozygotes.

Submission:

PreventionGenetics, part of Exact Sciences
Classification: Likely benign for PCSK1-related condition. Last evaluated: 2023-02-16. Review status: no assertion criteria provided. Collection method: clinical testing. Allele origin: germline.
Comment: This variant is classified as likely benign based on ACMG/AMP sequence variant interpretation guidelines (Richards et al. 2015 PMID: 25741868, with internal and published modifications).